The following is an entry in ClinVar:

ClinVar aggregate classification (germline): Pathogenic/Likely pathogenic. Review status: criteria provided, multiple submitters, no conflicts (2 of 4 stars). 2 submissions from 2 submitters: Pathogenic (1); Likely pathogenic (1). Last evaluated 2023-06-14.

Conditions:
LARP7-related disorder. Also called: LARP7-related condition.

Submissions (2):

PreventionGenetics, part of Exact Sciences
Classification: Likely pathogenic for LARP7-related condition. Last evaluated: 2023-06-14. Review status: criteria provided, single submitter. Criteria: ACMG Guidelines, 2015. Collection method: clinical testing. Allele origin: germline.
Comment: The LARP7 c.1098_1099delTA variant is predicted to result in a frameshift and premature protein termination (p.His366Glnfs*5). To our knowledge, this variant has not been reported in the literature. This variant has not been reported in a large population database, indicating this variant is rare. Frameshift variants in LARP7 are expected to be pathogenic. This variant is interpreted as likely pathogenic.

Labcorp Genetics (formerly Invitae), Labcorp
Classification: Pathogenic. Last evaluated: 2022-02-20. Review status: criteria provided, single submitter. Criteria: Invitae Variant Classification Sherloc (09022015). Collection method: clinical testing. Allele origin: germline.
Comment: For these reasons, this variant has been classified as Pathogenic. This variant has not been reported in the literature in individuals affected with LARP7-related conditions. This variant is not present in population databases (gnomAD no frequency). This sequence change creates a premature translational stop signal (p.His359Glnfs*5) in the LARP7 gene. It is expected to result in an absent or disrupted protein product. Loss-of-function variants in LARP7 are known to be pathogenic (PMID: 22865833, 26374271, 26607181).

Literature cited by the submitters: PubMed 22865833 (cited by Labcorp Genetics (formerly Invitae), Labcorp); PubMed 26374271 (cited by Labcorp Genetics (formerly Invitae), Labcorp); PubMed 26607181 (cited by Labcorp Genetics (formerly Invitae), Labcorp).

NM_016648.4(LARP7):c.1077_1078del (p.His359fs)

Genes: LARP7 (La ribonucleoprotein 7, transcriptional regulator; plus strand), MIR302CHG (miR-302/367 cluster host gene; minus strand). Cytogenetic location: 4q25.
Variant type: Deletion.
Coding change: c.1077_1078del on transcript NM_016648.4 (MANE Select); coding-DNA positions 1077 to 1078, 2 bases deleted (TA; older notation c.1077_1078delTA).
Protein change: p.His359fs; shifts the reading frame from histidine 359.
Molecular consequence: frameshift variant.
Genome position (GRCh38, 1-based): chr4:112,647,769-112,647,770, TA deleted; deleting any 2 consecutive bases within chr4:112,647,768-112,647,770 gives the same sequence; the c. name uses the placement nearest the transcript's 3' end. VCF-style (leftmost placement, unchanged base first): chr4-112647767-CAT-C. GRCh37 (hg19) VCF-style: chr4-113568923-CAT-C.
Other names: c.1077_1078del, p.His359fs (NM_001267039.4, NM_001370978.1, NM_015454.3); c.1116_1117del, p.His372fs (NM_001370974.1, NM_001370975.1); c.1113_1114del, p.His371fs (NM_001370976.1, NM_001370977.1); c.1074_1075del, p.His358fs (NM_001370979.1, NM_001370980.1); c.840_841del, p.His280fs (NM_001370981.1, NM_001370982.1); c.1098_1099delTA (NM_001267039.1); short protein forms H359fs, H371fs, H372fs, H358fs, H280fs.
Identifiers: ClinVar variation 1943859 (VCV001943859.6), dbSNP rs2477799301, ClinGen allele CA2578171314.